The following is an entry in ClinVar:

ClinVar aggregate classification (germline): Benign/Likely benign. Review status: criteria provided, multiple submitters, no conflicts (2 of 4 stars). 4 submissions from 4 submitters: Benign (1); Likely benign (3). Last evaluated 2026-05-20.

Conditions:
Neurofibromatosis, type 1 (NF1). Also called: VON RECKLINGHAUSEN DISEASE; NEUROFIBROMATOSIS, TYPE I, SOMATIC; Peripheral type neurofibromatosis; Neurofibromatosis, type I. Identifiers: Orphanet 636, MedGen C0027831, MONDO:0018975, OMIM 162200. Disease mechanism: loss of function.
Cardiovascular phenotype. Identifiers: MedGen CN230736.
Hereditary cancer-predisposing syndrome. Also called: Hereditary neoplastic syndrome; Hereditary Cancer Syndrome; Tumor predisposition; Neoplastic Syndromes, Hereditary. Identifiers: Orphanet 140162, MedGen C0027672, MeSH D009386, MONDO:0015356.

Allele frequency attached by ClinVar (database versions not stated): gnomAD exomes below 0.00001.
gnomAD v4.1: 1 of 1,606,456 alleles (0.000062%); highest among the groups gnomAD compares: Non-Finnish European, 0.000085%; no homozygotes.

Submissions (4):

Myriad Genetics, Inc.
Classification: Benign for Neurofibromatosis, type 1. Last evaluated: 2026-05-20. Review status: criteria provided, single submitter. Criteria: Myriad Autosomal Dominant, Autosomal Recessive and X-Linked Classification Criteria (2023). Collection method: clinical testing. Allele origin: unknown.
Comment: This variant is considered benign. This variant is a silent/synonymous amino acid change and it is not expected to impact splicing.

Blueprint Genetics
Classification: Likely benign. Last evaluated: 2024-10-25. Review status: criteria provided, single submitter. Criteria: ACMG Guidelines, 2015. Collection method: clinical testing. Allele origin: germline.

Labcorp Genetics (formerly Invitae), Labcorp
Classification: Likely benign for Neurofibromatosis, type 1. Last evaluated: 2023-11-24. Review status: criteria provided, single submitter. Criteria: Invitae Variant Classification Sherloc (09022015). Collection method: clinical testing. Allele origin: germline.

Ambry Genetics
Classification: Likely benign for Cardiovascular phenotype; Hereditary cancer-predisposing syndrome. Last evaluated: 2020-04-27. Review status: criteria provided, single submitter. Criteria: Ambry Variant Classification Scheme 2023. Collection method: clinical testing. Allele origin: germline.

NM_001042492.3(NF1):c.3297A>G (p.Lys1099=)

Gene: NF1 (neurofibromin 1; plus strand). Cytogenetic location: 17q11.2.
Variant type: single nucleotide variant.
Coding change: c.3297A>G on transcript NM_001042492.3 (MANE Select); coding-DNA position 3297, A replaced by G.
Protein change: p.Lys1099=; no amino-acid change (lysine 1099 retained).
Molecular consequence: synonymous variant.
Genome position (GRCh38, 1-based): chr17:31,232,172, A>G. VCF-style: chr17-31232172-A-G. GRCh37 (hg19) VCF-style: chr17-29559190-A-G.
Other names: c.3297A>G, p.Lys1099= (NM_000267.4).
Identifiers: ClinVar variation 1729894 (VCV001729894.7), dbSNP rs2508224981, ClinGen allele CA499232270.